The following is an entry in ClinVar:

ClinVar aggregate classification (germline): Benign. Review status: criteria provided, multiple submitters, no conflicts (2 of 4 stars). 2 submissions from 2 submitters: Benign (2). Last evaluated 2025-10-26.

Conditions:
Vesicoureteral reflux 2 (VUR2). Identifiers: Orphanet 289365, MedGen C1970483, MONDO:0012573, OMIM 610878.

Allele frequency attached by ClinVar (database versions not stated): gnomAD exomes 0.00027; ExAC 0.00031; ESP Exome Variant Server 0.00100; gnomAD 0.00101 and 0.00105; TOPMed 0.00127; 1000 Genomes Project 0.00200; 1000 Genomes Project 30x 0.00250.
gnomAD v4.1: 327 of 1,611,094 alleles (0.02%); highest among the groups gnomAD compares: African/African-American, 0.38%; no homozygotes.

Submissions (2):

Labcorp Genetics (formerly Invitae), Labcorp
Classification: Benign. Last evaluated: 2025-10-26. Review status: criteria provided, single submitter. Criteria: Invitae Variant Classification Sherloc (09022015). Collection method: clinical testing. Allele origin: germline.

Illumina Laboratory Services, Illumina
Classification: Benign for Vesicoureteral reflux 2. Last evaluated: 2018-01-13. Review status: criteria provided, single submitter. Criteria: ICSL Variant Classification Criteria 13 December 2019. Collection method: clinical testing. Allele origin: germline.
Comment: This variant was observed in the ICSL laboratory as part of a predisposition screen in an ostensibly healthy population. It had not been previously curated by ICSL or reported in the Human Gene Mutation Database (HGMD: prior to June 1st, 2018), and was therefore a candidate for classification through an automated scoring system. Utilizing variant allele frequency, disease prevalence and penetrance estimates, and inheritance mode, an automated score was calculated to assess if this variant is too frequent to cause the disease. Based on the score and internal cut-off values, a variant classified as benign is not then subjected to further curation. The score for this variant resulted in a classification of benign for this disease.

NM_001395656.1(ROBO2):c.2341-12C>A

Gene: ROBO2 (roundabout guidance receptor 2; plus strand). Cytogenetic location: 3p12.3.
Variant type: single nucleotide variant.
Coding change: c.2341-12C>A on transcript NM_001395656.1 (MANE Select); 12 bases into the intron before coding-DNA position 2341, C replaced by A.
Molecular consequence: intron variant.
Genome position (GRCh38, 1-based): chr3:77,579,935, C>A. VCF-style: chr3-77579935-C-A. GRCh37 (hg19) VCF-style: chr3-77629086-C-A.
Other names: c.2389-12C>A (NM_001378191.1, NM_001378195.1, NM_001378196.1 and 4 more transcripts); c.2377-12C>A (NM_001128929.3); c.2410-12C>A (NM_001394213.1, NM_001378192.1, NM_001378198.1 and 2 more transcripts); c.2398-12C>A (NM_001394212.1, NM_001395657.1, NM_001394214.1); c.2341-12C>A (NM_001290040.2, NM_001290039.2, NM_001378202.1); c.550-12C>A (NM_001290065.2); c.2329-12C>A (NM_001378197.1, NM_001378193.1, NM_002942.5).
Identifiers: ClinVar variation 346698 (VCV000346698.8), dbSNP rs115128094, ClinGen allele CA2497312.